The following is an entry in ClinVar:

ClinVar aggregate classification (germline): Conflicting classifications of pathogenicity. Review status: criteria provided, conflicting classifications (1 of 4 stars). 3 submissions from 3 submitters: Likely pathogenic (1); Uncertain significance (1). 1 of the submissions does not count toward it. Last evaluated 2024-10-10.

Conditions:
Spinocerebellar ataxia type 25. Identifiers: Orphanet 101111, MedGen C1837518, MONDO:0012103, OMIM 608703.

Submissions (3):

Victorian Clinical Genetics Services, Murdoch Childrens Research Institute
Classification: Likely pathogenic for Spinocerebellar ataxia type 25. Last evaluated: 2024-10-10. Review status: criteria provided, single submitter. Criteria: ACMG Guidelines, 2015. Collection method: clinical testing. Allele origin: germline. Inheritance: Autosomal dominant inheritance.
Comment: Based on the classification scheme VCGS_Germline_v1.3.5, this variant is classified as Likely pathogenic. Following criteria are met: 0102 - Loss of function is a known mechanism of disease in this gene and is associated with combined oxidative phosphorylation deficiency 13 (MIM#614932), spinocerebellar ataxia 25 (MIM#608703) and autosomal recessive deafness 70 (MIM#614934). (I) 0106 - This gene is associated with autosomal recessive disease. However, emerging evidence suggests monoallelic variants may be associated with spinocerebellar ataxia 25 (MIM#608703) (PMID: 35411967). (I) 0209 - Splice site variant proven to affect splicing of the transcript with uncertain effect on protein sequence. mRNA studies on patient lymphoblast cell lines has shown aberrant splicing that is suggested to cause nonsense-mediated decay (PMID: 35411967). (SP) 0251 - This variant is heterozygous. (I) 0301 - Variant is absent from gnomAD (v2, v3 and v4). (SP) 0311 - An alternative nucleotide change, is present in gnomAD (v4) (1 heterozygote, 0 homozygotes). (I) 0508 - In silico predictions for abnormal splicing are conflicting and nucleotide conservation is moderate. (I) 0705 - No comparable variants have previous evidence for pathogenicity. (I) 0803 - This variant has limited previous evidence of pathogenicity in an unrelated individual. This variant has been reported in an Australian family in multiple affected heterozygous individuals and classified as likely pathogenic (PMID: 35411967, VCGS) . (SP) 0903 - This variant has limited evidence for segregation with disease. It has been detected in seven affected members of a family, but with incomplete penetrance and variable expressivity, as some heterozygous individuals were either mildly affected or unaffected (PMID: 35411967). (I) 1007 - No published functional evidence has been identified for this variant. (I) 1208 - Inheritance information for this variant is not currently available in this individual. (I) Legend: (SP) - Supporting pathogenic, (I) - Information, (SB) - Supporting benign

Blueprint Genetics
Classification: Uncertain significance. Last evaluated: 2024-08-29. Review status: criteria provided, single submitter. Criteria: ACMG Guidelines, 2015. Collection method: clinical testing. Allele origin: germline.

OMIM
Classification: Pathogenic for SPINOCEREBELLAR ATAXIA 25. Last evaluated: 2022-07-13. Review status: no assertion criteria provided. Collection method: literature only. Allele origin: germline. Not counted in ClinVar's aggregate classification.

Literature cited by the submitters: PubMed 35411967 (cited by Victorian Clinical Genetics Services, Murdoch Childrens Research Institute); Barbier, M. Personal Communication. 2022. Paris, France (cited by OMIM).

NM_033109.5(PNPT1):c.2014-3C>G

Gene: PNPT1 (polyribonucleotide nucleotidyltransferase 1; minus strand). Cytogenetic location: 2p16.1.
Variant type: single nucleotide variant.
Coding change: c.2014-3C>G on transcript NM_033109.5 (MANE Select); 3 bases into the intron before coding-DNA position 2014, C replaced by G.
Molecular consequence: intron variant.
Genome position (GRCh38, 1-based): chr2:55,643,216, G>C on the plus strand (C>G on the coding strand, the complement: PNPT1 is on the minus strand). VCF-style: chr2-55643216-G-C. GRCh37 (hg19) VCF-style: chr2-55870351-G-C.
Other names: IVS24AS, C-G, -3.
Identifiers: ClinVar variation 1695429 (VCV001695429.4), dbSNP rs748445058, ClinGen allele CA324815.